The following is an entry in ClinVar:

ClinVar aggregate classification (germline): Uncertain significance (1 of 4 stars; one submission).

Submission:

Ambry Genetics
Classification: Uncertain significance. Last evaluated: 2023-02-04. Review status: criteria provided, single submitter. Criteria: Ambry Variant Classification Scheme 2023. Collection method: clinical testing. Allele origin: germline.
Comment: The p.Q900K variant (also known as c.2698C>A), located in coding exon 13 of the NPAT gene, results from a C to A substitution at nucleotide position 2698. The glutamine at codon 900 is replaced by lysine, an amino acid with similar properties. This amino acid position is conserved. In addition, this alteration is predicted to be tolerated by in silico analysis. Since supporting evidence is limited at this time, the clinical significance of this alteration remains unclear.

NM_002519.3(NPAT):c.2698C>A (p.Gln900Lys)

Gene: NPAT (nuclear protein, coactivator of histone transcription; minus strand). Cytogenetic location: 11q22.3.
Variant type: single nucleotide variant.
Coding change: c.2698C>A on transcript NM_002519.3 (MANE Select); coding-DNA position 2698, C replaced by A.
Protein change: p.Gln900Lys; replaces glutamine 900 with lysine.
Molecular consequence: missense variant.
Genome position (GRCh38, 1-based): chr11:108,172,286, G>T on the plus strand (C>A on the coding strand, the complement: NPAT is on the minus strand). VCF-style: chr11-108172286-G-T. GRCh37 (hg19) VCF-style: chr11-108043013-G-T.
Other names: c.2698C>A, p.Gln900Lys (NM_001321307.1); short protein forms Q900K.
Identifiers: ClinVar variation 2453788 (VCV002453788.2), dbSNP rs2496716290, ClinGen allele CA382512424.